The following is an entry in ClinVar:

ClinVar aggregate classification (germline): Pathogenic (1 of 4 stars; one submission).

Conditions:
Hereditary cancer-predisposing syndrome. Also called: Hereditary Cancer Syndrome; Hereditary neoplastic syndrome; Neoplastic Syndromes, Hereditary; Tumor predisposition. Identifiers: Orphanet 140162, MedGen C0027672, MeSH D009386, MONDO:0015356.

Submission:

Ambry Genetics
Classification: Pathogenic for Hereditary cancer-predisposing syndrome. Last evaluated: 2022-04-27. Review status: criteria provided, single submitter. Criteria: Ambry Variant Classification Scheme 2023. Collection method: clinical testing. Allele origin: germline.
Comment: The c.1414_1456dup43 variant, located in coding exon 4 of the MSH6 gene, results from a duplication of TCCCTGGTGCAGAAGGGCTATAAAGTAGCACGAGTGGAACAGA at nucleotide position 1414, causing a translational frameshift with a predicted alternate stop codon (p.T486Ifs*8). This alteration is expected to result in loss of function by premature protein truncation or nonsense-mediated mRNA decay. As such, this alteration is interpreted as a disease-causing mutation.

NM_000179.3(MSH6):c.1414_1456dup (p.Thr486delinsIleProGlyAlaGluGlyLeuTer)

Gene: MSH6 (mutS homolog 6; plus strand). Cytogenetic location: 2p16.3.
Variant type: Duplication.
Coding change: c.1414_1456dup on transcript NM_000179.3 (MANE Select); coding-DNA positions 1414 to 1456, 43 bases duplicated.
Protein change: p.Thr486delinsIleProGlyAlaGluGlyLeuTer.
Molecular consequence: nonsense. On other transcripts: frameshift variant (36).
Genome position (GRCh38, 1-based): chr2:47,799,397-47,799,439, 43 bases duplicated. GRCh37 (hg19): chr2:48,026,536-48,026,578.
Other names: c.1024_1066dup, p.Thr356delinsIleProGlyAlaGluGlyLeuTer (NM_001281492.2); c.508_550dup, p.Thr184delinsIleProGlyAlaGluGlyLeuTer (NM_001281493.2, NM_001281494.2); c.1510_1552dup, p.Thr518Ilefs (NM_001406795.1, NM_001406802.1); c.1414_1456dup, p.Thr486Ilefs (NM_001406796.1, NM_001406798.1, NM_001406800.1 and 4 more transcripts); c.1117_1159dup, p.Thr387Ilefs (NM_001406797.1, NM_001406801.1, NM_001406805.1 and 10 more transcripts); c.889_931dup, p.Thr311Ilefs (NM_001406799.1, NM_001406806.1, NM_001406807.1); c.1336_1378dup, p.Thr460Ilefs (NM_001406804.1); c.508_550dup, p.Thr184Ilefs (NM_001406811.1, NM_001406812.1, NM_001406814.1 and 4 more transcripts); and 3 more.
Identifiers: ClinVar variation 1772095 (VCV001772095.2), dbSNP rs2530608134, ClinGen allele CA2580067587.